The following is an entry in ClinVar:

NM_000702.4(ATP1A2):c.1631del (p.Gly544fs)

Gene: ATP1A2 (ATPase Na+/K+ transporting subunit alpha 2; plus strand). Cytogenetic location: 1q23.2.
Variant type: Deletion.
Coding change: c.1631del on transcript NM_000702.4 (MANE Select); coding-DNA position 1631, one base deleted (G; older notation c.1631delG).
Protein change: p.Gly544fs; shifts the reading frame from glycine 544.
Molecular consequence: frameshift variant.
Genome position (GRCh38, 1-based): chr1:160,130,271, G deleted; the last of 6 consecutive G bases (chr1:160,130,266-160,130,271); deleting any one gives the same sequence. VCF-style (leftmost placement, unchanged base first): chr1-160130265-TG-T. GRCh37 (hg19) VCF-style: chr1-160100055-TG-T.
Other names: c.1631delG, p.Gly544Aspfs (NM_000702.3); short protein forms G544fs.
Identifiers: ClinVar variation 2413037 (VCV002413037.4), dbSNP rs2524872645, ClinGen allele CA2580061252.

ClinVar aggregate classification (germline): Likely pathogenic (1 of 4 stars; one submission).

Submission:

GeneDx
Classification: Likely pathogenic. Last evaluated: 2026-01-08. Review status: criteria provided, single submitter. Criteria: GeneDx Variant Classification Process June 2021. Collection method: clinical testing. Allele origin: germline.
Comment: Frameshift variant predicted to result in protein truncation or nonsense mediated decay in a gene for which loss of function is a known mechanism of disease; Not observed at significant frequency in large population cohorts (gnomAD); Has not been previously published as pathogenic or benign to our knowledge